The following is an entry in ClinVar:

NM_078470.6(COX15):c.784C>T (p.Arg262Ter)

Gene: COX15 (cytochrome c oxidase assembly factor COX15; minus strand). Cytogenetic location: 10q24.2.
Variant type: single nucleotide variant.
Coding change: c.784C>T on transcript NM_078470.6 (MANE Select); coding-DNA position 784, C replaced by T.
Protein change: p.Arg262Ter; replaces arginine 262 with a stop codon.
Molecular consequence: nonsense. On other transcripts: non-coding transcript variant (1).
Genome position (GRCh38, 1-based): chr10:99,721,035, G>A on the plus strand (C>T on the coding strand, the complement: COX15 is on the minus strand). VCF-style: chr10-99721035-G-A. GRCh37 (hg19) VCF-style: chr10-101480792-G-A.
Other names: c.784C>T, p.Arg262Ter (NM_001320974.2, NM_001320975.2, NM_001372024.1 and 5 more transcripts); c.247C>T, p.Arg83Ter (NM_001320976.2); short protein forms R262*, R83*.
Identifiers: ClinVar variation 631620 (VCV000631620.8), dbSNP rs774366079, ClinGen allele CA5642174.

ClinVar aggregate classification (germline): Pathogenic (1 of 4 stars; one submission).

Allele frequency attached by ClinVar (database versions not stated): gnomAD 0.00004 and 0.00003; TOPMed 0.00001.

Submission:

Labcorp Genetics (formerly Invitae), Labcorp
Classification: Pathogenic. Last evaluated: 2025-08-29. Review status: criteria provided, single submitter. Criteria: Invitae Variant Classification Sherloc (09022015). Collection method: clinical testing. Allele origin: germline.
Comment: This sequence change creates a premature translational stop signal (p.Arg262*) in the COX15 gene. It is expected to result in an absent or disrupted protein product. Loss-of-function variants in COX15 are known to be pathogenic (PMID: 15863660, 21412973). This variant is present in population databases (rs774366079, gnomAD 0.008%). This variant has not been reported in the literature in individuals affected with COX15-related conditions. ClinVar contains an entry for this variant (Variation ID: 631620). For these reasons, this variant has been classified as Pathogenic.

Literature cited by the submitters: PubMed 15863660; PubMed 21412973.